The following is an entry in ClinVar:

ClinVar aggregate classification (germline): Pathogenic. Review status: reviewed by expert panel (3 of 4 stars). 2 submissions from 2 submitters: Pathogenic (1). 1 of the submissions does not count toward it. Last evaluated 2017-12-15.

Conditions:
Hereditary breast ovarian cancer syndrome. Also called: Hereditary breast and ovarian cancer syndrome (HBOC); BRCA1- and BRCA2-Associated Hereditary Breast and Ovarian Cancer; Hereditary breast and/or ovarian cancer syndrome; Hereditary breast and ovarian cancer syndrome; Hereditary breast and ovarian cancer; Breast and ovarian cancer. Identifiers: Orphanet 145, MedGen C0677776, MeSH D061325, MONDO:0003582. Disease mechanism: loss of function.
Breast-ovarian cancer, familial, susceptibility to, 1 (BROVCA1). Also called: BRCA1 Hereditary Breast and Ovarian Cancer; OVARIAN CANCER, SUSCEPTIBILITY TO. Identifiers: Orphanet 145, MedGen C2676676, MONDO:0011450, OMIM 604370. Disease mechanism: loss of function.

Submissions (2):

Evidence-based Network for the Interpretation of Germline Mutant Alleles (ENIGMA)
Classification: Pathogenic for Breast-ovarian cancer, familial, susceptibility to, 1. Last evaluated: 2017-12-15. Review status: reviewed by expert panel. Criteria: ENIGMA BRCA1/2 Classification Criteria (2017-06-29). Collection method: curation. Allele origin: germline. Study: ENIGMA.
Comment: Variant allele predicted to encode a truncated non-functional protein.

Research Molecular Genetics Laboratory, Women's College Hospital, University of Toronto
Classification: Pathogenic for Hereditary breast ovarian cancer syndrome. Last evaluated: 2014-01-31. Review status: no assertion criteria provided. Collection method: research. Allele origin: germline. Affected: yes. Study: The Canadian Open Genetics Repository (COGR). Not counted in ClinVar's aggregate classification.

NM_007294.4(BRCA1):c.5509_5510del (p.Trp1837fs)

Gene: BRCA1 (BRCA1 DNA repair associated; minus strand). Cytogenetic location: 17q21.31.
Variant type: Deletion.
Coding change: c.5509_5510del on transcript NM_007294.4 (MANE Select); coding-DNA positions 5509 to 5510, 2 bases deleted (TG; older notation c.5509_5510delTG).
Protein change: p.Trp1837fs; shifts the reading frame from tryptophan 1837.
Molecular consequence: frameshift variant. On other transcripts: 3 prime UTR variant (1), non-coding transcript variant (1).
Genome position (GRCh38, 1-based): chr17:43,045,760-43,045,761, CA deleted on the plus strand (TG on the coding strand, the reverse complement: BRCA1 is on the minus strand); deleting any 2 consecutive bases within chr17:43,045,760-43,045,762 gives the same sequence; the c. name uses the placement nearest the transcript's 3' end. VCF-style (leftmost placement, unchanged base first): chr17-43045759-CCA-C. GRCh37 (hg19) VCF-style: chr17-41197776-CCA-C.
Other names: c.5509_5510delTG (NM_007294.3); c.5367_5368delGT, p.Trp1790Glyfs (NM_001407696.1, NM_001407697.1, NM_001407698.1 and 11 more transcripts); c.5364_5365delGT, p.Trp1789Glyfs (NM_001407732.1, NM_001407733.1, NM_001407734.1 and 18 more transcripts); c.5361_5362delGT, p.Trp1788Glyfs (NM_001407838.1, NM_001407839.1, NM_001407841.1 and 12 more transcripts); c.*22_*23delGT (NM_001407854.1, NM_001407858.1, NM_001407859.1 and 13 more transcripts); c.5307_5308delGT, p.Trp1770Glyfs (NM_001407862.1); c.5304_5305delGT, p.Trp1769Glyfs (NM_001407863.1); c.5301_5302delGT, p.Trp1768Glyfs (NM_001407874.1, NM_001407875.1); and 78 more; short protein forms W1790fs, W1858fs, W733fs, W1837fs.
Identifiers: ClinVar variation 431281 (VCV000431281.2), dbSNP rs1135401888, ClinGen allele CA645373148.